The following is an entry in ClinVar:

NM_006393.3(NEBL):c.2083G>A (p.Gly695Arg)

Genes: NEBL (nebulette; minus strand), LOC126860875 (MED14-independent group 3 enhancer GRCh37_chr10:21105746-21106945; plus strand). Cytogenetic location: 10p12.31.
Variant type: single nucleotide variant.
Coding change: c.2083G>A on transcript NM_006393.3 (MANE Select); coding-DNA position 2083, G replaced by A.
Protein change: p.Gly695Arg; replaces glycine 695 with arginine.
Molecular consequence: missense variant. On other transcripts: intron variant (9).
Genome position (GRCh38, 1-based): chr10:20,817,665, C>T on the plus strand (G>A on the coding strand, the complement: NEBL is on the minus strand). VCF-style: chr10-20817665-C-T. GRCh37 (hg19) VCF-style: chr10-21106594-C-T.
Other names: c.250-4725G>A (NM_001377326.1, NM_001377327.1, NM_001377328.1); c.358-4725G>A (NM_213569.2, NM_001173484.2, NM_001377322.1); c.301-4725G>A (NM_001377324.1); c.292-4725G>A (NM_001377325.1); c.310-4725G>A (NM_001377323.1); short protein forms G695R.
Identifiers: ClinVar variation 4985765 (VCV004985765.1).

ClinVar aggregate classification (germline): Uncertain significance (1 of 4 stars; one submission).

Conditions:
NEBL-related disorder. Also called: NEBL-related condition.

gnomAD v4.1: 4 of 1,613,610 alleles (0.00025%); highest among the groups gnomAD compares: African/African-American, 0.004%; no homozygotes.

Submission:

PreventionGenetics, part of Exact Sciences
Classification: Uncertain significance for NEBL-related condition. Last evaluated: 2026-09-10. Review status: criteria provided, single submitter. Criteria: ACMG Guidelines, 2015. Collection method: clinical testing. Allele origin: germline.
Comment: The NEBL c.2083G>A variant is predicted to result in the amino acid substitution p.Gly695Arg. To our knowledge, this variant has not been reported in the literature. This variant is reported in 0.0062% of alleles in individuals of African descent in gnomAD. At this time, the clinical significance of this variant is uncertain due to the absence of conclusive functional and genetic evidence.